The following is an entry in ClinVar:

NM_001077365.2(POMT1):c.1190C>A (p.Ala397Asp)

Gene: POMT1 (protein O-mannosyltransferase 1; plus strand). Cytogenetic location: 9q34.13.
Variant type: single nucleotide variant.
Coding change: c.1190C>A on transcript NM_001077365.2 (MANE Select); coding-DNA position 1190, C replaced by A.
Protein change: p.Ala397Asp; replaces alanine 397 with aspartic acid.
Molecular consequence: missense variant. On other transcripts: non-coding transcript variant (10).
Genome position (GRCh38, 1-based): chr9:131,515,440, C>A. VCF-style: chr9-131515440-C-A. GRCh37 (hg19) VCF-style: chr9-134390827-C-A.
Other names: c.1028C>A, p.Ala343Asp (NM_001077366.2, NM_001353194.2); c.1190C>A, p.Ala397Asp (NM_001136113.2, NM_001374690.1); c.839C>A, p.Ala280Asp (NM_001136114.2, NM_001353195.2, NM_001374691.1 and 2 more transcripts); c.1256C>A, p.Ala419Asp (NM_001353193.2, NM_007171.4); c.1100C>A, p.Ala367Asp (NM_001353196.2); c.1094C>A, p.Ala365Asp (NM_001353197.2, NM_001353198.2); c.905C>A, p.Ala302Asp (NM_001353199.2); c.734C>A, p.Ala245Asp (NM_001353200.2); and 2 more; short protein forms A419D, A302D, A280D, A365D, A367D, A397D, A245D, A343D.
Identifiers: ClinVar variation 586366 (VCV000586366.9), dbSNP rs1564364465, ClinGen allele CA375309771.

ClinVar aggregate classification (germline): Uncertain significance. Review status: criteria provided, multiple submitters, no conflicts (2 of 4 stars). 2 submissions from 2 submitters: Uncertain significance (2). Last evaluated 2022-01-13.

Conditions:
Muscular dystrophy-dystroglycanopathy (congenital with impaired intellectual development), type B, 1. Also called: Muscular dystrophy-dystroglycanopathy (congenital with intellectual disability), type B1; MUSCULAR DYSTROPHY, CONGENITAL, POMT1-RELATED. Identifiers: MedGen C5436962, MONDO:0013159, OMIM 613155.
Autosomal recessive limb-girdle muscular dystrophy type 2K. Also called: MUSCULAR DYSTROPHY-DYSTROGLYCANOPATHY (LIMB-GIRDLE), TYPE C, 1; MUSCULAR DYSTROPHY, LIMB-GIRDLE, TYPE 2K. Identifiers: Orphanet 86812, MedGen C1836373, MONDO:0012248, OMIM 609308.
Walker-Warburg congenital muscular dystrophy. Also called: Muscular dystrophy-dystroglycanopathy, type A; Walker-Warburg syndrome. Identifiers: Orphanet 899, MedGen C0265221, MONDO:0000171.

Submissions (2):

Labcorp Genetics (formerly Invitae), Labcorp
Classification: Uncertain significance for Muscular dystrophy-dystroglycanopathy (congenital with impaired intellectual development), type B, 1; Walker-Warburg congenital muscular dystrophy; Autosomal recessive limb-girdle muscular dystrophy type 2K. Last evaluated: 2022-01-13. Review status: criteria provided, single submitter. Criteria: Invitae Variant Classification Sherloc (09022015). Collection method: clinical testing. Allele origin: germline.
Comment: In summary, the available evidence is currently insufficient to determine the role of this variant in disease. Therefore, it has been classified as a Variant of Uncertain Significance. Algorithms developed to predict the effect of missense changes on protein structure and function are either unavailable or do not agree on the potential impact of this missense change (SIFT: "Deleterious"; PolyPhen-2: "Probably Damaging"; Align-GVGD: "Class C0"). ClinVar contains an entry for this variant (Variation ID: 586366). This variant has not been reported in the literature in individuals affected with POMT1-related conditions. This variant is not present in population databases (gnomAD no frequency). This sequence change replaces alanine, which is neutral and non-polar, with aspartic acid, which is acidic and polar, at codon 419 of the POMT1 protein (p.Ala419Asp).

Athena Diagnostics
Classification: Uncertain significance. Last evaluated: 2018-08-14. Review status: criteria provided, single submitter. Criteria: Athena Diagnostics Criteria. Collection method: clinical testing. Allele origin: germline.